The following is an entry in ClinVar:

NM_004655.4(AXIN2):c.1405C>G (p.His469Asp)

Gene: AXIN2 (axin 2; minus strand). Cytogenetic location: 17q24.1.
Variant type: single nucleotide variant.
Coding change: c.1405C>G on transcript NM_004655.4 (MANE Select); coding-DNA position 1405, C replaced by G.
Protein change: p.His469Asp; replaces histidine 469 with aspartic acid.
Molecular consequence: missense variant.
Genome position (GRCh38, 1-based): chr17:65,537,631, G>C on the plus strand (C>G on the coding strand, the complement: AXIN2 is on the minus strand). VCF-style: chr17-65537631-G-C. GRCh37 (hg19) VCF-style: chr17-63533749-G-C.
Other names: c.1405C>G, p.His469Asp (NM_001363813.1); short protein forms H469D.
Identifiers: ClinVar variation 3240842 (VCV003240842.3), dbSNP rs1266538607.

ClinVar aggregate classification (germline): Uncertain significance. Review status: criteria provided, multiple submitters, no conflicts (2 of 4 stars). 3 submissions from 3 submitters: Uncertain significance (3). Last evaluated 2025-11-18.

Conditions:
Oligodontia-cancer predisposition syndrome. Also called: TOOTH AGENESIS-COLORECTAL CANCER SYNDROME. Identifiers: Orphanet 300576, MedGen C1837750, MONDO:0012075, OMIM 608615. Disease mechanism: loss of function.
Colorectal cancer. Also called: Colorectal cancer, somatic; Malignant Colorectal Neoplasm. Identifiers: MedGen C0346629, MONDO:0005575, OMIM 114500.
Hereditary cancer-predisposing syndrome. Also called: Neoplastic Syndromes, Hereditary; Tumor predisposition; Hereditary neoplastic syndrome; Hereditary Cancer Syndrome. Identifiers: Orphanet 140162, MedGen C0027672, MeSH D009386, MONDO:0015356.

Submissions (3):

Labcorp Genetics (formerly Invitae), Labcorp
Classification: Uncertain significance for Oligodontia-cancer predisposition syndrome. Last evaluated: 2025-11-18. Review status: criteria provided, single submitter. Criteria: Invitae Variant Classification Sherloc (09022015). Collection method: clinical testing. Allele origin: germline.
Comment: This sequence change replaces histidine, which is basic and polar, with aspartic acid, which is acidic and polar, at codon 469 of the AXIN2 protein (p.His469Asp). This variant is not present in population databases (gnomAD no frequency). This variant has not been reported in the literature in individuals affected with AXIN2-related conditions. ClinVar contains an entry for this variant (Variation ID: 3240842). Invitae Evidence Modeling of protein sequence and biophysical properties (such as structural, functional, and spatial information, amino acid conservation, physicochemical variation, residue mobility, and thermodynamic stability) indicates that this missense variant is not expected to disrupt AXIN2 protein function with a negative predictive value of 80%. In summary, the available evidence is currently insufficient to determine the role of this variant in disease. Therefore, it has been classified as a Variant of Uncertain Significance.

Ambry Genetics
Classification: Uncertain significance for Hereditary cancer-predisposing syndrome. Last evaluated: 2024-09-06. Review status: criteria provided, single submitter. Criteria: Ambry Variant Classification Scheme 2023. Collection method: clinical testing. Allele origin: germline.
Comment: The p.H469D variant (also known as c.1405C>G), located in coding exon 5 of the AXIN2 gene, results from a C to G substitution at nucleotide position 1405. The histidine at codon 469 is replaced by aspartic acid, an amino acid with similar properties. This amino acid position is conserved. In addition, this alteration is predicted to be tolerated by in silico analysis. Based on the available evidence, the clinical significance of this variant remains unclear.

Baylor Genetics
Classification: Uncertain significance for Colorectal cancer. Last evaluated: 2023-11-02. Review status: criteria provided, single submitter. Criteria: ACMG Guidelines, 2015. Collection method: clinical testing. Allele origin: unknown.